The following is an entry in ClinVar:

NM_152515.5(CKAP2L):c.84A>G (p.Lys28=)

Gene: CKAP2L (cytoskeleton associated protein 2L; minus strand). Cytogenetic location: 2q14.1.
Variant type: single nucleotide variant.
Coding change: c.84A>G on transcript NM_152515.5 (MANE Select); coding-DNA position 84, A replaced by G.
Protein change: p.Lys28=; no amino-acid change (lysine 28 retained).
Molecular consequence: synonymous variant. On other transcripts: 5 prime UTR variant (1), non-coding transcript variant (1).
Genome position (GRCh38, 1-based): chr2:112,762,523, T>C on the plus strand (A>G on the coding strand, the complement: CKAP2L is on the minus strand). VCF-style: chr2-112762523-T-C. GRCh37 (hg19) VCF-style: chr2-113520100-T-C.
Other names: c.-353A>G (NM_001304361.2).
Identifiers: ClinVar variation 1694963 (VCV001694963.31), dbSNP rs2104893793, ClinGen allele CA428302354.

ClinVar aggregate classification (germline): Likely benign (1 of 4 stars; one submission).

Allele frequency attached by ClinVar (database versions not stated): gnomAD exomes 0.00001.

Submission:

CeGaT Center for Human Genetics Tuebingen
Classification: Likely benign. Last evaluated: 2022-06-01. Review status: criteria provided, single submitter. Criteria: CeGaT Center For Human Genetics Tuebingen Variant Classification Criteria Version 2. Collection method: clinical testing. Allele origin: germline. Affected: yes. Observed: 1 variant allele.
Comment: CKAP2L: PM2:Supporting, BP4, BP7